The following is an entry in ClinVar:

NM_000179.3(MSH6):c.2686A>C (p.Lys896Gln)

Gene: MSH6 (mutS homolog 6; plus strand). Cytogenetic location: 2p16.3.
Variant type: single nucleotide variant.
Coding change: c.2686A>C on transcript NM_000179.3 (MANE Select); coding-DNA position 2686, A replaced by C.
Protein change: p.Lys896Gln; replaces lysine 896 with glutamine.
Molecular consequence: missense variant.
Genome position (GRCh38, 1-based): chr2:47,800,669, A>C. VCF-style: chr2-47800669-A-C. GRCh37 (hg19) VCF-style: chr2-48027808-A-C.
Other names: c.2296A>C, p.Lys766Gln (NM_001281492.2); c.1780A>C, p.Lys594Gln (NM_001281493.2, NM_001281494.2, NM_001406811.1 and 6 more transcripts); c.2782A>C, p.Lys928Gln (NM_001406795.1, NM_001406802.1); c.2686A>C, p.Lys896Gln (NM_001406796.1, NM_001406798.1, NM_001406800.1 and 2 more transcripts); c.2389A>C, p.Lys797Gln (NM_001406797.1, NM_001406801.1, NM_001406805.1 and 10 more transcripts); c.2161A>C, p.Lys721Gln (NM_001406799.1, NM_001406806.1, NM_001406807.1); c.2608A>C, p.Lys870Gln (NM_001406804.1); c.2692A>C, p.Lys898Gln (NM_001406813.1); and 2 more; short protein forms K211Q, K928Q, K594Q, K840Q, K898Q, K896Q, K721Q, K766Q.
Identifiers: ClinVar variation 1794725 (VCV001794725.2), dbSNP rs1553414015, ClinGen allele CA346755289.
Genomic context (GRCh38, chr2:47,800,669, plus strand): 5'-GAAGAAGTTGCTGATGGTTTTAAGTCTAAAATCCTTAAGCAGGTCATCTCTCTGCAGACA[A>C]AAAATCCTGAAGGTCGTTTTCCTGATTTGACTGTAGAATTGAACCGATGGGATACAGCCT-3'
Protein context (NP_000170.1, residues 886-906): ILKQVISLQT[Lys896Gln]NPEGRFPDLT

ClinVar aggregate classification (germline): Uncertain significance (1 of 4 stars; one submission).

Conditions:
Hereditary cancer-predisposing syndrome. Also called: Tumor predisposition; Hereditary Cancer Syndrome; Neoplastic Syndromes, Hereditary; Hereditary neoplastic syndrome. Identifiers: Orphanet 140162, MedGen C0027672, MeSH D009386, MONDO:0015356.

Submission:

Ambry Genetics
Classification: Uncertain significance for Hereditary cancer-predisposing syndrome. Last evaluated: 2018-05-16. Review status: criteria provided, single submitter. Criteria: Ambry Variant Classification Scheme 2023. Collection method: clinical testing. Allele origin: germline.
Comment: The p.K896Q variant (also known as c.2686A>C), located in coding exon 4 of the MSH6 gene, results from an A to C substitution at nucleotide position 2686. The lysine at codon 896 is replaced by glutamine, an amino acid with similar properties. This amino acid position is not well conserved in available vertebrate species. In addition, this alteration is predicted to be tolerated by in silico analysis. In addition, the CoDP in silico tool predicts this alteration to have minor impact on molecular function, with a score of 0.001 (Terui H et al. J. Biomed. Sci. 2013 Apr;20:25). Since supporting evidence is limited at this time, the clinical significance of this alteration remains unclear.